The following is an entry in ClinVar:

NM_004168.4(SDHA):c.757G>C (p.Val253Leu)

Gene: SDHA (succinate dehydrogenase complex flavoprotein subunit A; plus strand). Cytogenetic location: 5p15.33.
Variant type: single nucleotide variant.
Coding change: c.757G>C on transcript NM_004168.4 (MANE Select); coding-DNA position 757, G replaced by C.
Protein change: p.Val253Leu; replaces valine 253 with leucine.
Molecular consequence: missense variant.
Genome position (GRCh38, 1-based): chr5:228,320, G>C. VCF-style: chr5-228320-G-C. GRCh37 (hg19) VCF-style: chr5-228435-G-C.
Other names: c.613G>C, p.Val205Leu (NM_001294332.2); c.757G>C, p.Val253Leu (NM_001330758.2); short protein forms V205L, V253L.
Identifiers: ClinVar variation 2200722 (VCV002200722.1), dbSNP rs1126412, ClinGen allele CA359011209.

ClinVar aggregate classification (germline): Uncertain significance (1 of 4 stars; one submission).

Conditions:
Mitochondrial complex II deficiency, nuclear type 1. Also called: SUCCINATE CoQ REDUCTASE DEFICIENCY. Identifiers: Orphanet 3208, MedGen C5700310, MONDO:0100294, OMIM 252011.
Pheochromocytoma/paraganglioma syndrome 5. Also called: Paragangliomas 5; SDHA-Related Hereditary Paraganglioma-Pheochromocytoma Syndrome. Identifiers: Orphanet 29072, MedGen C3279992, MONDO:0013602, OMIM 614165.

Submission:

Labcorp Genetics (formerly Invitae), Labcorp
Classification: Uncertain significance for Pheochromocytoma/paraganglioma syndrome 5; Mitochondrial complex II deficiency, nuclear type 1. Last evaluated: 2022-08-04. Review status: criteria provided, single submitter. Criteria: Invitae Variant Classification Sherloc (09022015). Collection method: clinical testing. Allele origin: germline.
Comment: This sequence change replaces valine, which is neutral and non-polar, with leucine, which is neutral and non-polar, at codon 253 of the SDHA protein (p.Val253Leu). This variant is not present in population databases (gnomAD no frequency). This variant has not been reported in the literature in individuals affected with SDHA-related conditions. Advanced modeling of protein sequence and biophysical properties (such as structural, functional, and spatial information, amino acid conservation, physicochemical variation, residue mobility, and thermodynamic stability) performed at Invitae indicates that this missense variant is not expected to disrupt SDHA protein function. In summary, the available evidence is currently insufficient to determine the role of this variant in disease. Therefore, it has been classified as a Variant of Uncertain Significance.